The following is an entry in ClinVar:

ClinVar aggregate classification (germline): Uncertain significance (1 of 4 stars; one submission).

Conditions:
POLD1-related polyposis and colorectal cancer syndrome (CRCS10). Also called: Colorectal cancer, susceptibility to, 10; Colorectal cancer 10; COLORECTAL CANCER, SUSCEPTIBILITY TO, ON CHROMOSOME 19q. Identifiers: Orphanet 220460, MedGen C2675481, MONDO:0012953, OMIM 612591.

Submission:

Labcorp Genetics (formerly Invitae), Labcorp
Classification: Uncertain significance for POLD1-related polyposis and colorectal cancer syndrome. Last evaluated: 2023-08-17. Review status: criteria provided, single submitter. Criteria: Invitae Variant Classification Sherloc (09022015). Collection method: clinical testing. Allele origin: germline.
Comment: This variant has not been reported in the literature in individuals affected with POLD1-related conditions. This variant is not present in population databases (gnomAD no frequency). This sequence change replaces tyrosine, which is neutral and polar, with histidine, which is basic and polar, at codon 511 of the POLD1 protein (p.Tyr511His). ClinVar contains an entry for this variant (Variation ID: 651019). In summary, the available evidence is currently insufficient to determine the role of this variant in disease. Therefore, it has been classified as a Variant of Uncertain Significance. Advanced modeling of protein sequence and biophysical properties (such as structural, functional, and spatial information, amino acid conservation, physicochemical variation, residue mobility, and thermodynamic stability) performed at Invitae indicates that this missense variant is expected to disrupt POLD1 protein function.

NM_002691.4(POLD1):c.1531T>C (p.Tyr511His)

Gene: POLD1 (DNA polymerase delta 1, catalytic subunit; plus strand). Cytogenetic location: 19q13.33.
Variant type: single nucleotide variant.
Coding change: c.1531T>C on transcript NM_002691.4 (MANE Select); coding-DNA position 1531, T replaced by C.
Protein change: p.Tyr511His; replaces tyrosine 511 with histidine.
Molecular consequence: missense variant. On other transcripts: non-coding transcript variant (1).
Genome position (GRCh38, 1-based): chr19:50,407,019, T>C. VCF-style: chr19-50407019-T-C. GRCh37 (hg19) VCF-style: chr19-50910276-T-C.
Other names: c.1531T>C, p.Tyr511His (NM_001256849.1, NM_001308632.1); short protein forms Y511H.
Identifiers: ClinVar variation 651019 (VCV000651019.8), dbSNP rs1601219118, ClinGen allele CA406980813.